The following is an entry in ClinVar:

ClinVar aggregate classification (germline): Uncertain significance (1 of 4 stars; one submission).

Conditions:
Combined oxidative phosphorylation defect type 17. Also called: Combined oxidative phosphorylation deficiency 17. Identifiers: Orphanet 369913, MedGen C3809526, MONDO:0014190, OMIM 615440.

Allele frequency attached by ClinVar (database versions not stated): gnomAD exomes below 0.00001; ExAC 0.00001; gnomAD 0.00001.
gnomAD v4.1: 14 of 1,612,648 alleles (0.00087%); highest among the groups gnomAD compares: Non-Finnish European, 0.001%; no homozygotes.

Submission:

Labcorp Genetics (formerly Invitae), Labcorp
Classification: Uncertain significance for Combined oxidative phosphorylation defect type 17. Last evaluated: 2021-11-13. Review status: criteria provided, single submitter. Criteria: Invitae Variant Classification Sherloc (09022015). Collection method: clinical testing. Allele origin: germline.
Comment: This sequence change replaces leucine, which is neutral and non-polar, with phenylalanine, which is neutral and non-polar, at codon 74 of the ELAC2 protein (p.Leu74Phe). This variant is present in population databases (rs752421786, gnomAD 0.001%). This variant has not been reported in the literature in individuals affected with ELAC2-related conditions. Algorithms developed to predict the effect of missense changes on protein structure and function are either unavailable or do not agree on the potential impact of this missense change (SIFT: "Tolerated"; PolyPhen-2: "Probably Damaging"; Align-GVGD: "Class C0"). In summary, the available evidence is currently insufficient to determine the role of this variant in disease. Therefore, it has been classified as a Variant of Uncertain Significance.

NM_018127.7(ELAC2):c.220C>T (p.Leu74Phe)

Gene: ELAC2 (elaC ribonuclease Z 2; minus strand). Cytogenetic location: 17p12.
Variant type: single nucleotide variant.
Coding change: c.220C>T on transcript NM_018127.7 (MANE Select); coding-DNA position 220, C replaced by T.
Protein change: p.Leu74Phe; replaces leucine 74 with phenylalanine.
Molecular consequence: missense variant.
Genome position (GRCh38, 1-based): chr17:13,017,728, G>A on the plus strand (C>T on the coding strand, the complement: ELAC2 is on the minus strand). VCF-style: chr17-13017728-G-A. GRCh37 (hg19) VCF-style: chr17-12921045-G-A.
Other names: c.220C>T, p.Leu74Phe (NM_001165962.2, NM_173717.2); short protein forms L74F.
Identifiers: ClinVar variation 1426859 (VCV001426859.3), dbSNP rs752421786, ClinGen allele CA8401808.
Genomic context (GRCh38, chr17:13,017,728, plus strand): 5'-GGCCCAGCGGGACGGGGCGTGGCTCGTTGACTGACCGGTTGAACTCGGAGAAGACGTAGA[G>A]CGCGGCGCCCGAGTCCCGGCTACCCGCTGCCACCACCTGCAGGTACACGGTGTTTGGGCC-3'
Protein context (NP_060597.4, residues 64-84): AAGSRDSGAA[Leu74Phe]YVFSEFNRYL